The following is an entry in ClinVar:

ClinVar aggregate classification (germline): Uncertain significance (1 of 4 stars; one submission).

Conditions:
Immunodeficiency 35 (IMD35). Also called: Susceptibility to infection due to TYK2 deficiency; HIES WITH ATYPICAL MYCOBACTERIOSIS, AUTOSOMAL RECESSIVE; HYPER-IgE SYNDROME WITH ATYPICAL MYCOBACTERIOSIS, AUTOSOMAL RECESSIVE; TYK2 DEFICIENCY. Identifiers: Orphanet 331226, MedGen C1969086, MONDO:0012682, OMIM 611521.

Allele frequency attached by ClinVar (database versions not stated): gnomAD exomes below 0.00001; ExAC 0.00001; TOPMed 0.00001; gnomAD 0.00002; ESP Exome Variant Server 0.00015.
gnomAD v4.1: 6 of 1,612,726 alleles (0.00037%); highest among the groups gnomAD compares: Non-Finnish European, 0.00051%; no homozygotes.

Submission:

Labcorp Genetics (formerly Invitae), Labcorp
Classification: Uncertain significance for Immunodeficiency 35. Last evaluated: 2022-08-21. Review status: criteria provided, single submitter. Criteria: Invitae Variant Classification Sherloc (09022015). Collection method: clinical testing. Allele origin: germline.
Comment: This sequence change replaces methionine, which is neutral and non-polar, with isoleucine, which is neutral and non-polar, at codon 254 of the TYK2 protein (p.Met254Ile). This variant is present in population databases (rs151106021, gnomAD 0.0009%). This variant has not been reported in the literature in individuals affected with TYK2-related conditions. Algorithms developed to predict the effect of missense changes on protein structure and function are either unavailable or do not agree on the potential impact of this missense change (SIFT: "Not Available"; PolyPhen-2: "Benign"; Align-GVGD: "Not Available"). In summary, the available evidence is currently insufficient to determine the role of this variant in disease. Therefore, it has been classified as a Variant of Uncertain Significance.

NM_003331.5(TYK2):c.762G>A (p.Met254Ile)

Gene: TYK2 (tyrosine kinase 2; minus strand). Cytogenetic location: 19p13.2.
Variant type: single nucleotide variant.
Coding change: c.762G>A on transcript NM_003331.5 (MANE Select); coding-DNA position 762, G replaced by A.
Protein change: p.Met254Ile; replaces methionine 254 with isoleucine.
Molecular consequence: missense variant.
Genome position (GRCh38, 1-based): chr19:10,365,766, C>T on the plus strand (G>A on the coding strand, the complement: TYK2 is on the minus strand). VCF-style: chr19-10365766-C-T. GRCh37 (hg19) VCF-style: chr19-10476442-C-T.
Other names: c.762G>A, p.Met254Ile (NM_001385197.1, NM_001385198.1, NM_001385199.1 and 8 more transcripts); c.672G>A, p.Met224Ile (NM_001385205.1); short protein forms M224I, M254I.
Identifiers: ClinVar variation 1944770 (VCV001944770.2), dbSNP rs151106021, ClinGen allele CA9193625.